The following is an entry in ClinVar:

NC_000009.12:g.(?_213865)_(466259_?)dup

Genes: DOCK8 (dedicator of cytokinesis 8; plus strand), DOCK8-AS1 (DOCK8 antisense RNA 1; minus strand). Cytogenetic location: 9p24.3.
Variant type: Duplication.
Identifiers: ClinVar variation 832753 (VCV000832753.2).

ClinVar aggregate classification (germline): Uncertain significance (1 of 4 stars; one submission).

Conditions:
Combined immunodeficiency due to DOCK8 deficiency (HIES2). Also called: DOCK8 Deficiency; HIES autosomal recessive; Hyper-IgE recurrent infection syndrome, autosomal recessive; HYPER-IgE RECURRENT INFECTION SYNDROME 2, AUTOSOMAL RECESSIVE; HYPER-IgE SYNDROME 2, AUTOSOMAL RECESSIVE, WITH RECURRENT INFECTIONS. Identifiers: Orphanet 217390, MedGen C4722305, MONDO:0009478, OMIM 243700.

Submission:

Labcorp Genetics (formerly Invitae), Labcorp
Classification: Uncertain significance for Combined immunodeficiency due to DOCK8 deficiency. Last evaluated: 2019-11-18. Review status: criteria provided, single submitter. Criteria: Invitae Variant Classification Sherloc (09022015). Collection method: clinical testing. Allele origin: germline.
Comment: This variant results in a copy number gain of the genomic region encompassing the full coding sequence of the DOCK8 gene. The boundaries of this event are unknown as they extend beyond the assayed region for this gene and therefore may encompass additional genes. As the precise location of this event is unknown, it may be in tandem or it may be located elsewhere in the genome. This variant has not been reported in the literature in individuals with DOCK8-related conditions. In summary, the available evidence is currently insufficient to determine the role of this variant in disease. Therefore, it has been classified as a Variant of Uncertain Significance.